The following is an entry in ClinVar:

ClinVar aggregate classification (germline): Likely pathogenic (1 of 4 stars; one submission).

Conditions:
Developmental and epileptic encephalopathy, 11 (DEE11). Also called: Early infantile epileptic encephalopathy 11. Identifiers: Orphanet 1934, MedGen C3150987, MONDO:0013388, OMIM 613721.
Seizures, benign familial infantile, 3 (BFIS3). Also called: CONVULSIONS, BENIGN FAMILIAL INFANTILE, 3; Familial neonatal seizures. Identifiers: Orphanet 140927, Orphanet 306, MedGen C1843140, MONDO:0011904, OMIM 607745.

Submission:

Labcorp Genetics (formerly Invitae), Labcorp
Classification: Likely pathogenic for Seizures, benign familial infantile, 3; Developmental and epileptic encephalopathy, 11. Last evaluated: 2025-08-28. Review status: criteria provided, single submitter. Criteria: Invitae Variant Classification Sherloc (09022015). Collection method: clinical testing. Allele origin: germline.
Comment: This sequence change affects an acceptor splice site in intron 20 of the SCN2A gene. It is expected to disrupt RNA splicing. Variants that disrupt the donor or acceptor splice site typically lead to a loss of protein function (PMID: 16199547), and loss-of-function variants in SCN2A are known to be pathogenic (PMID: 28379373). This variant is not present in population databases (gnomAD no frequency). Disruption of this splice site has been observed in individual(s) with SCN2A-related conditions (PMID: 27824329, 33004838). Algorithms developed to predict the effect of sequence changes on RNA splicing suggest that this variant may disrupt the consensus splice site. In summary, the currently available evidence indicates that the variant is pathogenic, but additional data are needed to prove that conclusively. Therefore, this variant has been classified as Likely Pathogenic.

Literature cited by the submitters: PubMed 16199547; PubMed 28379373; PubMed 27824329; PubMed 33004838.

NM_001040142.2(SCN2A):c.3850-2A>C

Gene: SCN2A (sodium voltage-gated channel alpha subunit 2; plus strand). Cytogenetic location: 2q24.3.
Variant type: single nucleotide variant.
Coding change: c.3850-2A>C on transcript NM_001040142.2 (MANE Select); the canonical splice acceptor site of the intron before coding-DNA position 3850, A replaced by C.
Molecular consequence: splice acceptor variant.
Genome position (GRCh38, 1-based): chr2:165,373,223, A>C. VCF-style: chr2-165373223-A-C. GRCh37 (hg19) VCF-style: chr2-166229733-A-C.
Other names: c.3850-2A>C (NM_001040143.2, NM_001371246.1, NM_001371247.1 and 1 more transcripts).
Identifiers: ClinVar variation 4783591 (VCV004783591.1).